The following is an entry in ClinVar:

ClinVar aggregate classification (germline): Uncertain significance (1 of 4 stars; one submission).

Submission:

GeneDx
Classification: Uncertain significance. Last evaluated: 2022-06-03. Review status: criteria provided, single submitter. Criteria: GeneDx Variant Classification Process June 2021. Collection method: clinical testing. Allele origin: germline. Affected: yes.
Comment: Not observed at significant frequency in large population cohorts (gnomAD); In silico analysis supports that this missense variant has a deleterious effect on protein structure/function; Has not been previously published as pathogenic or benign to our knowledge

NM_014159.7(SETD2):c.440A>T (p.His147Leu)

Gene: SETD2 (SET domain containing 2, histone lysine methyltransferase; minus strand). Cytogenetic location: 3p21.31.
Variant type: single nucleotide variant.
Coding change: c.440A>T on transcript NM_014159.7 (MANE Select); coding-DNA position 440, A replaced by T.
Protein change: p.His147Leu; replaces histidine 147 with leucine.
Molecular consequence: missense variant. On other transcripts: non-coding transcript variant (1).
Genome position (GRCh38, 1-based): chr3:47,124,196, T>A on the plus strand (A>T on the coding strand, the complement: SETD2 is on the minus strand). VCF-style: chr3-47124196-T-A. GRCh37 (hg19) VCF-style: chr3-47165686-T-A.
Other names: c.308A>T, p.His103Leu (NM_001349370.3); short protein forms H103L, H147L.
Identifiers: ClinVar variation 1801916 (VCV001801916.1), dbSNP rs2106722336, ClinGen allele CA352536999.